The following is an entry in ClinVar:

NM_000179.3:c.458_4083del

Gene: MSH6 (mutS homolog 6; plus strand).
Variant type: Deletion.
Other names: c.458_4083del (NM_000179.3).
Identifiers: ClinVar variation 3602786 (VCV003602786.2).

ClinVar aggregate classification (germline): Likely pathogenic (1 of 4 stars; one submission).

Conditions:
Lynch syndrome. Identifiers: Orphanet 144, MedGen C4552100, MONDO:0005835. Disease mechanism: loss of function.

Submission:

Department of Clinical Genetics, Copenhagen University Hospital, Rigshospitalet
Classification: Likely pathogenic for Lynch syndrome. Last evaluated: 2025-02-04. Review status: criteria provided, single submitter. Criteria: ACMG Guidelines, 2015. Collection method: clinical testing. Allele origin: germline.
Comment: PVS1; PM2_SUP